The following is an entry in ClinVar:

NM_002080.4(GOT2):c.924G>C (p.Leu308Phe)

Gene: GOT2 (glutamic-oxaloacetic transaminase 2; minus strand). Cytogenetic location: 16q21.
Variant type: single nucleotide variant.
Coding change: c.924G>C on transcript NM_002080.4 (MANE Select); coding-DNA position 924, G replaced by C.
Protein change: p.Leu308Phe; replaces leucine 308 with phenylalanine.
Molecular consequence: missense variant.
Genome position (GRCh38, 1-based): chr16:58,716,109, C>G on the plus strand (G>C on the coding strand, the complement: GOT2 is on the minus strand). VCF-style: chr16-58716109-C-G. GRCh37 (hg19) VCF-style: chr16-58750013-C-G.
Other names: c.795G>C, p.Leu265Phe (NM_001286220.2); short protein forms L265F, L308F.
Identifiers: ClinVar variation 1952250 (VCV001952250.5), dbSNP rs2506833813, ClinGen allele CA396164748.
Genomic context (GRCh38, chr16:58,716,109, plus strand): 5'-AGCAGCAATCCGGGCCCCATTGAGGGGAGGGTTGGAATACATGGGACGGATCAAGATCTT[C>G]AACTGTGACTCTACCCTTTTGGCTTCATCCGCATCTTTGCAGACCATAGTGAAGGCTCCT-3'
Protein context (NP_002071.2, residues 298-318): ADEAKRVESQ[Leu308Phe]KILIRPMYSN

ClinVar aggregate classification (germline): Uncertain significance (1 of 4 stars; one submission).

Allele frequency attached by ClinVar (database versions not stated): gnomAD exomes 0.00001.
gnomAD v4.1: 12 of 1,613,944 alleles (0.00074%); highest among the groups gnomAD compares: Non-Finnish European, 0.00093%; no homozygotes.

Submission:

Labcorp Genetics (formerly Invitae), Labcorp
Classification: Uncertain significance. Last evaluated: 2022-06-19. Review status: criteria provided, single submitter. Criteria: Invitae Variant Classification Sherloc (09022015). Collection method: clinical testing. Allele origin: germline.
Comment: This sequence change replaces leucine, which is neutral and non-polar, with phenylalanine, which is neutral and non-polar, at codon 308 of the GOT2 protein (p.Leu308Phe). This variant is not present in population databases (gnomAD no frequency). This variant has not been reported in the literature in individuals affected with GOT2-related conditions. Algorithms developed to predict the effect of missense changes on protein structure and function are either unavailable or do not agree on the potential impact of this missense change (SIFT: "Deleterious"; PolyPhen-2: "Possibly Damaging"; Align-GVGD: "Class C0"). In summary, the available evidence is currently insufficient to determine the role of this variant in disease. Therefore, it has been classified as a Variant of Uncertain Significance.